The following is an entry in ClinVar:

NM_000038.6(APC):c.5033G>A (p.Gly1678Glu)

Gene: APC (APC regulator of Wnt signaling pathway; plus strand). Cytogenetic location: 5q22.2.
Variant type: single nucleotide variant.
Coding change: c.5033G>A on transcript NM_000038.6 (MANE Select); coding-DNA position 5033, G replaced by A.
Protein change: p.Gly1678Glu; replaces glycine 1678 with glutamic acid.
Molecular consequence: missense variant.
Genome position (GRCh38, 1-based): chr5:112,840,627, G>A. VCF-style: chr5-112840627-G-A. GRCh37 (hg19) VCF-style: chr5-112176324-G-A.
Other names: c.5033G>A, p.Gly1678Glu (NM_001127510.3, NM_001354895.2); c.4979G>A, p.Gly1660Glu (NM_001127511.3); c.5087G>A, p.Gly1696Glu (NM_001354896.2); c.5063G>A, p.Gly1688Glu (NM_001354897.2); c.4958G>A, p.Gly1653Glu (NM_001354898.2); c.4949G>A, p.Gly1650Glu (NM_001354899.2); c.4910G>A, p.Gly1637Glu (NM_001354900.2); c.4856G>A, p.Gly1619Glu (NM_001354901.2); and 5 more; short protein forms G1678E, G1660E, G1395E, G1619E, G1637E, G1653E, G1552E, G1696E.
Identifiers: ClinVar variation 630899 (VCV000630899.13), dbSNP rs1561597208, ClinGen allele CA16032340.

ClinVar aggregate classification (germline): Uncertain significance. Review status: criteria provided, multiple submitters, no conflicts (2 of 4 stars). 4 submissions from 4 submitters: Uncertain significance (4). Last evaluated 2025-06-06.

Conditions:
Hereditary cancer-predisposing syndrome. Also called: Tumor predisposition; Neoplastic Syndromes, Hereditary; Hereditary neoplastic syndrome; Hereditary Cancer Syndrome. Identifiers: Orphanet 140162, MedGen C0027672, MeSH D009386, MONDO:0015356.
Classic or attenuated familial adenomatous polyposis. Identifiers: MedGen CN372698, MONDO:0021057.
Familial adenomatous polyposis 1 (FAP1). Also called: POLYPOSIS, ADENOMATOUS INTESTINAL; FAMILIAL ADENOMATOUS POLYPOSIS 1, ATTENUATED. Identifiers: MedGen C2713442, MONDO:0021056, OMIM 175100. Disease mechanism: loss of function.

Allele frequency attached by ClinVar (database versions not stated): gnomAD exomes below 0.00001.
gnomAD v4.1: 1 of 1,613,994 alleles (0.000062%); highest among the groups gnomAD compares: Non-Finnish European, 0.000085%; no homozygotes.

Submissions (4):

Ambry Genetics
Classification: Uncertain significance for Hereditary cancer-predisposing syndrome. Last evaluated: 2025-06-06. Review status: criteria provided, single submitter. Criteria: Ambry Variant Classification Scheme 2023. Collection method: clinical testing. Allele origin: germline.
Comment: The p.G1678E variant (also known as c.5033G>A), located in coding exon 15 of the APC gene, results from a G to A substitution at nucleotide position 5033. The glycine at codon 1678 is replaced by glutamic acid, an amino acid with similar properties. This amino acid position is well conserved in available vertebrate species. In addition, in silico predictors for this gene do not accurately predict pathogenicity. Missense alterations in APC are not a common cause of disease (Spier I et al. Genet Med. 2024 Feb;26(2):100992). Based on the available evidence, the clinical significance of this variant remains unclear.

Labcorp Genetics (formerly Invitae), Labcorp
Classification: Uncertain significance for Familial adenomatous polyposis 1. Last evaluated: 2025-01-21. Review status: criteria provided, single submitter. Criteria: Invitae Variant Classification Sherloc (09022015). Collection method: clinical testing. Allele origin: germline.
Comment: This sequence change replaces glycine, which is neutral and non-polar, with glutamic acid, which is acidic and polar, at codon 1678 of the APC protein (p.Gly1678Glu). This variant is not present in population databases (gnomAD no frequency). This variant has not been reported in the literature in individuals affected with APC-related conditions. ClinVar contains an entry for this variant (Variation ID: 630899). Invitae Evidence Modeling of protein sequence and biophysical properties (such as structural, functional, and spatial information, amino acid conservation, physicochemical variation, residue mobility, and thermodynamic stability) indicates that this missense variant is not expected to disrupt APC protein function with a negative predictive value of 95%. In summary, the available evidence is currently insufficient to determine the role of this variant in disease. Therefore, it has been classified as a Variant of Uncertain Significance.

All of Us Research Program, National Institutes of Health
Classification: Uncertain significance for Classic or attenuated familial adenomatous polyposis. Last evaluated: 2024-02-22. Review status: criteria provided, single submitter. Criteria: ACMG Guidelines, 2015. Collection method: clinical testing. Allele origin: germline. Inheritance: Autosomal dominant inheritance. Observed: 1 variant allele, 1 heterozygote.
Comment: This missense variant replaces glycine with glutamic acid at codon 1678 of the APC protein. Computational prediction suggests that this variant may not impact protein structure and function (internally defined REVEL score threshold <= 0.5, PMID: 27666373). To our knowledge, functional studies have not been reported for this variant. This variant has not been reported in individuals affected with APC-related disorders in the literature. This variant has not been identified in the general population by the Genome Aggregation Database (gnomAD). The available evidence is insufficient to determine the role of this variant in disease conclusively. Therefore, this variant is classified as a Variant of Uncertain Significance.

This study involves interpretation of variants in research participants for the purpose of population health screening. Participant phenotype was not available at the time of variant classification. Additional details can be found in publication PMID: 35346344, PMCID: PMC8962531

Color Diagnostics, LLC DBA Color Health
Classification: Uncertain significance for Hereditary cancer-predisposing syndrome. Last evaluated: 2024-02-07. Review status: criteria provided, single submitter. Criteria: ACMG Guidelines, 2015. Collection method: clinical testing. Allele origin: germline.
Comment: This missense variant replaces glycine with glutamic acid at codon 1678 of the APC protein. Computational prediction suggests that this variant may not impact protein structure and function (internally defined REVEL score threshold <= 0.5, PMID: 27666373). To our knowledge, functional studies have not been reported for this variant. This variant has not been reported in individuals affected with APC-related disorders in the literature. This variant has not been identified in the general population by the Genome Aggregation Database (gnomAD). The available evidence is insufficient to determine the role of this variant in disease conclusively. Therefore, this variant is classified as a Variant of Uncertain Significance.